The following is an entry in ClinVar:

ClinVar aggregate classification (germline): Uncertain significance. Review status: criteria provided, multiple submitters, no conflicts (2 of 4 stars). 5 submissions from 5 submitters: Uncertain significance (3). 2 of the submissions do not count toward it. Last evaluated 2022-11-18.

Conditions:
Bardet-Biedl syndrome 10 (BBS10). Identifiers: Orphanet 110, MedGen C1859568, MONDO:0014438, OMIM 615987.
Bardet-Biedl syndrome (BBS). Identifiers: Orphanet 110, MedGen C0752166, MONDO:0015229.
BBS10-related disorder. Also called: BBS10-related condition.

Allele frequency attached by ClinVar (database versions not stated): gnomAD exomes 0.00001.

Submissions (5):

Blueprint Genetics
Classification: Uncertain significance. Last evaluated: 2022-11-18. Review status: criteria provided, single submitter. Criteria: ACMG Guidelines, 2015. Collection method: clinical testing. Allele origin: germline.

Labcorp Genetics (formerly Invitae), Labcorp
Classification: Uncertain significance for Bardet-Biedl syndrome. Last evaluated: 2022-08-27. Review status: criteria provided, single submitter. Criteria: Invitae Variant Classification Sherloc (09022015). Collection method: clinical testing. Allele origin: germline.
Comment: This sequence change replaces cysteine, which is neutral and slightly polar, with glycine, which is neutral and non-polar, at codon 195 of the BBS10 protein (p.Cys195Gly). This variant is present in population databases (rs775747309, gnomAD 0.003%). This variant has not been reported in the literature in individuals affected with BBS10-related conditions. ClinVar contains an entry for this variant (Variation ID: 970753). Algorithms developed to predict the effect of missense changes on protein structure and function are either unavailable or do not agree on the potential impact of this missense change (SIFT: "Deleterious"; PolyPhen-2: "Possibly Damaging"; Align-GVGD: "Class C0"). In summary, the available evidence is currently insufficient to determine the role of this variant in disease. Therefore, it has been classified as a Variant of Uncertain Significance.

Fulgent Genetics
Classification: Uncertain significance for Bardet-Biedl syndrome 10. Last evaluated: 2022-02-09. Review status: criteria provided, single submitter. Criteria: ACMG Guidelines, 2015. Collection method: clinical testing. Allele origin: unknown.

PreventionGenetics, part of Exact Sciences
Classification: Uncertain significance for BBS10-related condition. Last evaluated: 2024-05-07. Review status: no assertion criteria provided. Collection method: clinical testing. Allele origin: germline. Not counted in ClinVar's aggregate classification.
Comment: The BBS10 c.583T>G variant is predicted to result in the amino acid substitution p.Cys195Gly. To our knowledge, this variant has not been reported in the literature. An alternate missense alteration at the same amino acid position has been reported in affected individuals, and functional studies support its pathogenicity (p.Cys195Trp; Zaghloul et al. 2010. PubMed ID: 20498079; Stoetzel et al. 2006. PubMed ID: 16582908). The p.Cys195Gly variant is reported in 0.0029% of alleles in individuals of Latino descent in gnomAD. At this time, the clinical significance of this variant is uncertain due to the absence of conclusive functional and genetic evidence.

Natera, Inc.
Classification: Uncertain significance for Bardet-Biedl syndrome type 10. Last evaluated: 2021-05-07. Review status: no assertion criteria provided. Collection method: clinical testing. Allele origin: germline. Not counted in ClinVar's aggregate classification.

NM_024685.4(BBS10):c.583T>G (p.Cys195Gly)

Gene: BBS10 (Bardet-Biedl syndrome 10; minus strand). Cytogenetic location: 12q21.2.
Variant type: single nucleotide variant.
Coding change: c.583T>G on transcript NM_024685.4 (MANE Select); coding-DNA position 583, T replaced by G.
Protein change: p.Cys195Gly; replaces cysteine 195 with glycine.
Molecular consequence: missense variant.
Genome position (GRCh38, 1-based): chr12:76,347,402, A>C on the plus strand (T>G on the coding strand, the complement: BBS10 is on the minus strand). VCF-style: chr12-76347402-A-C. GRCh37 (hg19) VCF-style: chr12-76741182-A-C.
Other names: short protein forms C195G.
Identifiers: ClinVar variation 970753 (VCV000970753.8), dbSNP rs775747309, ClinGen allele CA239332333.